The following is an entry in ClinVar:

NM_173842.3(IL1RN):c.212T>C (p.Ile71Thr)

Gene: IL1RN (interleukin 1 receptor antagonist; plus strand). Cytogenetic location: 2q14.1.
Variant type: single nucleotide variant.
Coding change: c.212T>C on transcript NM_173842.3 (MANE Select); coding-DNA position 212, T replaced by C.
Protein change: p.Ile71Thr; replaces isoleucine 71 with threonine.
Molecular consequence: missense variant.
Genome position (GRCh38, 1-based): chr2:113,131,051, T>C. VCF-style: chr2-113131051-T-C. GRCh37 (hg19) VCF-style: chr2-113888628-T-C.
Other names: c.158T>C, p.Ile53Thr (NM_000577.5); c.110T>C, p.Ile37Thr (NM_001318914.2, NM_001379360.1, NM_173843.3); c.221T>C, p.Ile74Thr (NM_173841.3); short protein forms I37T, I53T, I71T, I74T.
Identifiers: ClinVar variation 1015756 (VCV001015756.5), dbSNP rs1202378531, ClinGen allele CA348295333.

ClinVar aggregate classification (germline): Uncertain significance. Review status: criteria provided, multiple submitters, no conflicts (2 of 4 stars). 2 submissions from 2 submitters: Uncertain significance (2). Last evaluated 2022-11-01.

Conditions:
Sterile multifocal osteomyelitis with periostitis and pustulosis. Also called: CHRONIC RECURRENT MULTIFOCAL OSTEOMYELITIS 2, WITH PERIOSTITIS AND PUSTULOSIS. Identifiers: Orphanet 210115, MedGen C2748507, MONDO:0013021, OMIM 612852.
Microvascular complications of diabetes, susceptibility to, 4. Identifiers: MedGen C2675112, MONDO:0012966, OMIM 612628.
Gastric cancer. Also called: Stomach cancer; Malignant tumor of stomach. Identifiers: MedGen C0024623, MeSH D013274, MONDO:0001056, OMIM 613659, HP:0012126.

Allele frequency attached by ClinVar (database versions not stated): gnomAD exomes below 0.00001; gnomAD 0.00001; TOPMed 0.00002.

Submissions (2):

Labcorp Genetics (formerly Invitae), Labcorp
Classification: Uncertain significance for Sterile multifocal osteomyelitis with periostitis and pustulosis. Last evaluated: 2022-11-01. Review status: criteria provided, single submitter. Criteria: Invitae Variant Classification Sherloc (09022015). Collection method: clinical testing. Allele origin: germline.
Comment: This sequence change replaces isoleucine, which is neutral and non-polar, with threonine, which is neutral and polar, at codon 74 of the IL1RN protein (p.Ile74Thr). This variant is present in population databases (no rsID available, gnomAD 0.0009%). This variant has not been reported in the literature in individuals affected with IL1RN-related conditions. ClinVar contains an entry for this variant (Variation ID: 1015756). Algorithms developed to predict the effect of missense changes on protein structure and function (SIFT, PolyPhen-2, Align-GVGD) all suggest that this variant is likely to be disruptive. In summary, the available evidence is currently insufficient to determine the role of this variant in disease. Therefore, it has been classified as a Variant of Uncertain Significance.

Fulgent Genetics
Classification: Uncertain significance for Microvascular complications of diabetes, susceptibility to, 4; Sterile multifocal osteomyelitis with periostitis and pustulosis; Gastric cancer. Last evaluated: 2022-04-05. Review status: criteria provided, single submitter. Criteria: ACMG Guidelines, 2015. Collection method: clinical testing. Allele origin: unknown.